The following is an entry in ClinVar:

ClinVar aggregate classification (germline): Uncertain significance. Review status: criteria provided, multiple submitters, no conflicts (2 of 4 stars). 2 submissions from 2 submitters: Uncertain significance (2). Last evaluated 2025-12-22.

Conditions:
Chédiak-Higashi syndrome (CHS). Also called: Chediak-Higashi Syndrome. Identifiers: Orphanet 167, MedGen C0007965, MONDO:0008963, OMIM 214500.
Inborn genetic diseases. Identifiers: MedGen C0950123, MeSH D030342.

Allele frequency attached by ClinVar (database versions not stated): ESP Exome Variant Server 0.00008; 1000 Genomes Project 30x 0.00016.

Submissions (2):

Labcorp Genetics (formerly Invitae), Labcorp
Classification: Uncertain significance for Chédiak-Higashi syndrome. Last evaluated: 2025-12-22. Review status: criteria provided, single submitter. Criteria: Invitae Variant Classification Sherloc (09022015). Collection method: clinical testing. Allele origin: germline.
Comment: This sequence change replaces valine, which is neutral and non-polar, with phenylalanine, which is neutral and non-polar, at codon 24 of the LYST protein (p.Val24Phe). This variant is present in population databases (rs201023832, gnomAD 0.04%). This variant has not been reported in the literature in individuals affected with LYST-related conditions. ClinVar contains an entry for this variant (Variation ID: 1982220). Invitae Evidence Modeling of protein sequence and biophysical properties (such as structural, functional, and spatial information, amino acid conservation, physicochemical variation, residue mobility, and thermodynamic stability) indicates that this missense variant is not expected to disrupt LYST protein function with a negative predictive value of 80%. In summary, the available evidence is currently insufficient to determine the role of this variant in disease. Therefore, it has been classified as a Variant of Uncertain Significance.

Ambry Genetics
Classification: Uncertain significance for Inborn genetic diseases. Last evaluated: 2025-08-09. Review status: criteria provided, single submitter. Criteria: Ambry Variant Classification Scheme 2023. Collection method: clinical testing. Allele origin: germline.

NM_000081.4(LYST):c.70G>T (p.Val24Phe)

Gene: LYST (lysosomal trafficking regulator; minus strand). Cytogenetic location: 1q42.3.
Variant type: single nucleotide variant.
Coding change: c.70G>T on transcript NM_000081.4 (MANE Select); coding-DNA position 70, G replaced by T.
Protein change: p.Val24Phe; replaces valine 24 with phenylalanine.
Molecular consequence: missense variant. On other transcripts: non-coding transcript variant (1).
Genome position (GRCh38, 1-based): chr1:235,830,348, C>A on the plus strand (G>T on the coding strand, the complement: LYST is on the minus strand). VCF-style: chr1-235830348-C-A. GRCh37 (hg19) VCF-style: chr1-235993648-C-A.
Other names: c.70G>T, p.Val24Phe (NM_001301365.1); short protein forms V24F.
Identifiers: ClinVar variation 1982220 (VCV001982220.5), dbSNP rs201023832, ClinGen allele CA1467739.
Genomic context (GRCh38, chr1:235,830,348, plus strand): 5'-GTCCAAGGGTTGCCATGTGCGTCTCCTCCTCTTCTTCCTCCCTGGCCTCCACCCTCTGGA[C>A]CACTGCATTGCAAAGCCGGTTGACATCGGTCAGAAATTCACGTGCCAGTGAGTTACTGTC-3'
Protein context (NP_000072.2, residues 14-34): TDVNRLCNAV[Val24Phe]QRVEAREEEE